The following is an entry in ClinVar:

NM_024649.5(BBS1):c.795_804del (p.Ala266fs)

Genes: BBS1 (Bardet-Biedl syndrome 1; plus strand), ZDHHC24 (zDHHC palmitoyltransferase 24; minus strand). Cytogenetic location: 11q13.2.
Variant type: Deletion.
Coding change: c.795_804del on transcript NM_024649.5 (MANE Select); coding-DNA positions 795 to 804, 10 bases deleted (GGCCTGCCGC; older notation c.795_804delGGCCTGCCGC).
Protein change: p.Ala266fs; shifts the reading frame from alanine 266.
Molecular consequence: frameshift variant. On other transcripts: 3 prime UTR variant (1).
Genome position (GRCh38, 1-based): chr11:66,521,341-66,521,350, GGCCTGCCGC deleted; deleting any 10 consecutive bases within chr11:66,521,335-66,521,350 gives the same sequence; the c. name uses the placement nearest the transcript's 3' end. VCF-style (leftmost placement, unchanged base first): chr11-66521334-TTGCCGCGGCC-T. GRCh37 (hg19) VCF-style: chr11-66288805-TTGCCGCGGCC-T.
Other names: c.*144_*153del (NM_001348571.2); short protein forms A266fs.
Identifiers: ClinVar variation 3352997 (VCV003352997.1).

ClinVar aggregate classification (germline): Likely pathogenic (0 of 4 stars; one submission).

Conditions:
BBS1-related disorder. Also called: BBS1-related condition.

Submission:

PreventionGenetics, part of Exact Sciences
Classification: Likely pathogenic for BBS1-related condition. Last evaluated: 2023-10-30. Review status: no assertion criteria provided. Collection method: clinical testing. Allele origin: germline.
Comment: The BBS1 c.795_804del10 variant is predicted to result in a frameshift and premature protein termination (p.Ala266Metfs*7). To our knowledge, this variant has not been reported in the literature or in a large population database, indicating this variant is rare. Frameshift variants in BBS1 are expected to be pathogenic. This variant is interpreted as likely pathogenic.